The following is an entry in ClinVar:

NM_006486.3(FBLN1):c.1396C>T (p.Arg466Trp)

Gene: FBLN1 (fibulin 1; plus strand). Cytogenetic location: 22q13.31.
Variant type: single nucleotide variant.
Coding change: c.1396C>T on transcript NM_006486.3 (MANE Select); coding-DNA position 1396, C replaced by T.
Protein change: p.Arg466Trp; replaces arginine 466 with tryptophan.
Molecular consequence: missense variant.
Genome position (GRCh38, 1-based): chr22:45,547,159, C>T. VCF-style: chr22-45547159-C-T. GRCh37 (hg19) VCF-style: chr22-45943039-C-T.
Other names: c.1396C>T, p.Arg466Trp (NM_001996.4, NM_006485.4, NM_006487.3); short protein forms R466W.
Identifiers: ClinVar variation 3093302 (VCV003093302.3), dbSNP rs748749795, ClinGen allele CA10286936.
Genomic context (GRCh38, chr22:45,547,159, plus strand): 5'-AGCAGCAGCCCCTGTAGCCAGGAGTGTGCCAACGTCTACGGCTCCTACCAGTGTTACTGC[C>T]GGCGAGGCTACCAGCTCAGCGATGTGGATGGAGTCACCTGTGAAGGTGCGGACGCCCCTG-3'
Protein context (NP_006477.3, residues 456-476): NVYGSYQCYC[Arg466Trp]RGYQLSDVDG

ClinVar aggregate classification (germline): Uncertain significance. Review status: criteria provided, multiple submitters, no conflicts (2 of 4 stars). 2 submissions from 2 submitters: Uncertain significance (2). Last evaluated 2024-09-03.

Allele frequency attached by ClinVar (database versions not stated): gnomAD exomes 0.00003; gnomAD 0.00006; ExAC 0.00008; TOPMed 0.00008.
gnomAD v4.1: 50 of 1,614,010 alleles (0.0031%); highest among the groups gnomAD compares: African/African-American, 0.027%; no homozygotes.

Submissions (2):

Labcorp Genetics (formerly Invitae), Labcorp
Classification: Uncertain significance. Last evaluated: 2024-09-03. Review status: criteria provided, single submitter. Criteria: Invitae Variant Classification Sherloc (09022015). Collection method: clinical testing. Allele origin: germline.
Comment: This sequence change replaces arginine, which is basic and polar, with tryptophan, which is neutral and slightly polar, at codon 466 of the FBLN1 protein (p.Arg466Trp). This variant is present in population databases (rs748749795, gnomAD 0.02%). This variant has not been reported in the literature in individuals affected with FBLN1-related conditions. An algorithm developed to predict the effect of missense changes on protein structure and function (PolyPhen-2) suggests that this variant is likely to be tolerated. In summary, the available evidence is currently insufficient to determine the role of this variant in disease. Therefore, it has been classified as a Variant of Uncertain Significance.

Ambry Genetics
Classification: Uncertain significance. Last evaluated: 2023-10-10. Review status: criteria provided, single submitter. Criteria: Ambry Variant Classification Scheme 2023. Collection method: clinical testing. Allele origin: germline.